The following is an entry in ClinVar:

NC_000003.12:g.169765055C>T

Genes: TERC (telomerase RNA component; minus strand), LOC110806306 (telomerase RNA component (TERC) promoter; plus strand). Cytogenetic location: 3q26.2.
Variant type: single nucleotide variant.
Genome position: GRCh38 VCF-style: chr3-169765055-C-T. GRCh37 (hg19) VCF-style: chr3-169482843-C-T.
Identifiers: ClinVar variation 952181 (VCV000952181.10), dbSNP rs1777965825, ClinGen allele CA436716070.
Genomic context (GRCh38, chr3:169,765,055, plus strand): 5'-GCCCTTCTCAGTTAGGGTTAGACAAAAAATGGCCACCACCCCTCCCAGGCCCACCCTCCG[C>T]AACCCGGTGCGCTGCCGGGCGAGTCGGCTTATAAAGGGAGCGGCCGCCGACCGCACGGAT-3'

ClinVar aggregate classification (germline): Uncertain significance (1 of 4 stars; one submission).

Conditions:
Dyskeratosis congenita, autosomal dominant 1 (DKCA1). Also called: Dyskeratosis congenita Scoggins type. Identifiers: Orphanet 1775, MedGen C4551974, MONDO:0007485, OMIM 127550. Inheritance: Variable.

Submission:

Labcorp Genetics (formerly Invitae), Labcorp
Classification: Uncertain significance for Dyskeratosis congenita, autosomal dominant 1. Last evaluated: 2024-02-24. Review status: criteria provided, single submitter. Criteria: Invitae Variant Classification Sherloc (09022015). Collection method: clinical testing. Allele origin: germline.
Comment: This variant occurs in the TERC gene, which encodes an RNA molecule that does not result in a protein product. This variant is not present in population databases (gnomAD no frequency). This variant has not been reported in the literature in individuals affected with TERC-related conditions. ClinVar contains an entry for this variant (Variation ID: 952181). This variant is located at the 5’ end of the TERC RNA component (PMID: 15082312, 21844345). The functional significance of this region is not well understood. In summary, the available evidence is currently insufficient to determine the role of this variant in disease. Therefore, it has been classified as a Variant of Uncertain Significance.

Literature cited by the submitters: PubMed 15082312; PubMed 21844345.